The following is an entry in ClinVar:

NM_001135629.3(PPP1R21):c.1807A>G (p.Lys603Glu)

Gene: PPP1R21 (protein phosphatase 1 regulatory subunit 21; plus strand). Cytogenetic location: 2p16.3.
Variant type: single nucleotide variant.
Coding change: c.1807A>G on transcript NM_001135629.3 (MANE Select); coding-DNA position 1807, A replaced by G.
Protein change: p.Lys603Glu; replaces lysine 603 with glutamic acid.
Molecular consequence: missense variant. On other transcripts: non-coding transcript variant (1).
Genome position (GRCh38, 1-based): chr2:48,498,607, A>G. VCF-style: chr2-48498607-A-G. GRCh37 (hg19) VCF-style: chr2-48725746-A-G.
Other names: c.1714A>G, p.Lys572Glu (NM_001193475.2); c.1807A>G, p.Lys603Glu (NM_152994.5); short protein forms K572E, K603E.
Identifiers: ClinVar variation 1990521 (VCV001990521.4), dbSNP rs1669957255, ClinGen allele CA346735431.

ClinVar aggregate classification (germline): Uncertain significance (1 of 4 stars; one submission).

Allele frequency attached by ClinVar (database versions not stated): gnomAD exomes below 0.00001; TOPMed below 0.00001.
gnomAD v4.1: 1 of 1,614,258 alleles (0.000062%); highest among the groups gnomAD compares: African/African-American, 0.0013%; no homozygotes.

Submission:

Labcorp Genetics (formerly Invitae), Labcorp
Classification: Uncertain significance. Last evaluated: 2022-09-29. Review status: criteria provided, single submitter. Criteria: Invitae Variant Classification Sherloc (09022015). Collection method: clinical testing. Allele origin: germline.
Comment: In summary, the available evidence is currently insufficient to determine the role of this variant in disease. Therefore, it has been classified as a Variant of Uncertain Significance. Algorithms developed to predict the effect of missense changes on protein structure and function (SIFT, PolyPhen-2, Align-GVGD) all suggest that this variant is likely to be tolerated. This variant has not been reported in the literature in individuals affected with PPP1R21-related conditions. This variant is not present in population databases (gnomAD no frequency). This sequence change replaces lysine, which is basic and polar, with glutamic acid, which is acidic and polar, at codon 603 of the PPP1R21 protein (p.Lys603Glu).